The following is an entry in ClinVar:

NM_001002860.4(BTBD7):c.2122-13del

Gene: BTBD7 (BTB domain containing 7; minus strand). Cytogenetic location: 14q32.12.
Variant type: Deletion.
Coding change: c.2122-13del on transcript NM_001002860.4 (MANE Select); 13 bases into the intron before coding-DNA position 2122, one base deleted (T; older notation c.2122-13delT).
Molecular consequence: intron variant.
Genome position (GRCh38, 1-based): chr14:93,246,299, A deleted on the plus strand (T on the coding strand, the reverse complement: BTBD7 is on the minus strand); the first of 15 consecutive A bases (chr14:93,246,299-93,246,313); deleting any one gives the same sequence. VCF-style (leftmost placement, unchanged base first): chr14-93246298-TA-T. GRCh37 (hg19) VCF-style: chr14-93712644-TA-T.
Other names: c.1069-13del (NM_001289133.2).
Identifiers: ClinVar variation 402435 (VCV000402435.4), dbSNP rs55659625, ClinGen allele CA7320490.
Genomic context (GRCh38, chr14:93,246,298, plus strand): 5'-GTGGACTTTCATCCCCAAAACGTTCATCAGGAAAGAATTTGTGAGGATTCTAAAAAAGAT[TA>T]AAAAAAAAAAAAAAGGACATTTATTAGCAGATTTCATAAGTGGAAATTTATAGGCTGAGA-3'

ClinVar aggregate classification (germline): Benign (1 of 4 stars; one submission).

Submission:

Laboratory for Molecular Medicine, Mass General Brigham Personalized Medicine
Classification: Benign. Last evaluated: 2016-03-28. Review status: criteria provided, single submitter. Criteria: LMM Criteria. Collection method: clinical testing. Allele origin: germline.
Comment: Variant identified in a genome or exome case(s) and assessed due to predicted null impact of the variant or pathogenic assertions in the literature or databases. Disclaimer: This variant has not undergone full assessment. The following are preliminary notes: Frequency